The following is an entry in ClinVar:

NM_001365536.1(SCN9A):c.5258A>C (p.Asn1753Thr)

Genes: SCN1A-AS1 (SCN1A and SCN9A antisense RNA 1; plus strand), SCN9A (sodium voltage-gated channel alpha subunit 9; minus strand). Cytogenetic location: 2q24.3.
Variant type: single nucleotide variant.
Coding change: c.5258A>C on transcript NM_001365536.1 (MANE Select); coding-DNA position 5258, A replaced by C.
Protein change: p.Asn1753Thr; replaces asparagine 1753 with threonine.
Molecular consequence: missense variant.
Genome position (GRCh38, 1-based): chr2:166,199,381, T>G on the plus strand (A>C on the coding strand, the complement: SCN9A is on the minus strand). VCF-style: chr2-166199381-T-G. GRCh37 (hg19) VCF-style: chr2-167055891-T-G.
Other names: c.5225A>C, p.Asn1742Thr (NM_002977.4); short protein forms N1753T, N1742T.
Identifiers: ClinVar variation 844240 (VCV000844240.11), dbSNP rs1693368310, ClinGen allele CA349053918.

ClinVar aggregate classification (germline): Uncertain significance. Review status: criteria provided, multiple submitters, no conflicts (2 of 4 stars). 2 submissions from 2 submitters: Uncertain significance (2). Last evaluated 2024-09-20.

Conditions:
Generalized epilepsy with febrile seizures plus, type 7 (GEFSP7). Also called: GEFS+, TYPE 7. Identifiers: Orphanet 36387, MedGen C2751778, MONDO:0013470, OMIM 613863.
Neuropathy, hereditary sensory and autonomic, type 2A (HSAN2A). Also called: HSAN IIA; WNK1-Related HSAN2 (HSAN2A); MORVAN DISEASE; NEUROPATHY, CONGENITAL SENSORY; NEUROPATHY, HEREDITARY SENSORY RADICULAR, AUTOSOMAL RECESSIVE; NEUROPATHY, HEREDITARY SENSORY, TYPE IIA. Identifiers: Orphanet 970, MedGen C2752089, MONDO:0024309, OMIM 201300.
Inborn genetic diseases. Identifiers: MedGen C0950123, MeSH D030342.

Allele frequency attached by ClinVar (database versions not stated): gnomAD 0.00001.
gnomAD v4.1: 1 of 1,614,080 alleles (0.000062%); highest among the groups gnomAD compares: Non-Finnish European, 0.000085%; no homozygotes.

Submissions (2):

Ambry Genetics
Classification: Uncertain significance for Inborn genetic diseases. Last evaluated: 2024-09-20. Review status: criteria provided, single submitter. Criteria: Ambry Variant Classification Scheme 2023. Collection method: clinical testing. Allele origin: germline.

Labcorp Genetics (formerly Invitae), Labcorp
Classification: Uncertain significance for Neuropathy, hereditary sensory and autonomic, type 2A; Generalized epilepsy with febrile seizures plus, type 7. Last evaluated: 2019-11-22. Review status: criteria provided, single submitter. Criteria: Invitae Variant Classification Sherloc (09022015). Collection method: clinical testing. Allele origin: germline.
Comment: In summary, the available evidence is currently insufficient to determine the role of this variant in disease. Therefore, it has been classified as a Variant of Uncertain Significance. Algorithms developed to predict the effect of missense changes on protein structure and function (SIFT, PolyPhen-2, Align-GVGD) all suggest that this variant is likely to be disruptive, but these predictions have not been confirmed by published functional studies and their clinical significance is uncertain. This variant has not been reported in the literature in individuals with SCN9A-related conditions. This variant is not present in population databases (ExAC no frequency). This sequence change replaces asparagine with threonine at codon 1742 of the SCN9A protein (p.Asn1742Thr). The asparagine residue is highly conserved and there is a small physicochemical difference between asparagine and threonine.